The following is an entry in ClinVar:

ClinVar aggregate classification (germline): Uncertain significance (1 of 4 stars; one submission).

Conditions:
Congenital disorder of glycosylation with defective fucosylation 2 (CDGF2). Identifiers: MedGen C5193028, MONDO:0020777, OMIM 618324.

Allele frequency attached by ClinVar (database versions not stated): gnomAD exomes 0.00001.
gnomAD v4.1: 9 of 1,589,610 alleles (0.00057%); highest among the groups gnomAD compares: Middle Eastern, 0.017%; no homozygotes.

Submission:

Baylor Genetics
Classification: Uncertain significance for Congenital disorder of glycosylation with defective fucosylation 2. Last evaluated: 2019-07-17. Review status: criteria provided, single submitter. Criteria: ACMG Guidelines, 2015. Collection method: clinical testing. Allele origin: unknown. Affected: yes.
Comment: This variant was determined to be of uncertain significance according to ACMG Guidelines, 2015 [PMID:25741868].

NM_145059.3(FCSK):c.2186A>G (p.Tyr729Cys)

Gene: FCSK (fucose kinase; plus strand). Cytogenetic location: 16q22.1.
Variant type: single nucleotide variant.
Coding change: c.2186A>G on transcript NM_145059.3 (MANE Select); coding-DNA position 2186, A replaced by G.
Protein change: p.Tyr729Cys; replaces tyrosine 729 with cysteine.
Molecular consequence: missense variant.
Genome position (GRCh38, 1-based): chr16:70,474,820, A>G. VCF-style: chr16-70474820-A-G. GRCh37 (hg19) VCF-style: chr16-70508723-A-G.
Other names: short protein forms Y729C.
Identifiers: ClinVar variation 1031187 (VCV001031187.1), dbSNP rs1223202082, ClinGen allele CA396572736.